The following is an entry in ClinVar:

NM_000629.3(IFNAR1):c.252dup (p.Thr85fs)

Gene: IFNAR1 (interferon alpha and beta receptor subunit 1; plus strand). Cytogenetic location: 21q22.11.
Variant type: Duplication.
Coding change: c.252dup on transcript NM_000629.3 (MANE Select); coding-DNA position 252, one base duplicated (T; older notation c.252dupT).
Protein change: p.Thr85fs; shifts the reading frame from threonine 85.
Molecular consequence: frameshift variant. On other transcripts: 5 prime UTR variant (1), intron variant (1).
Genome position (GRCh38, 1-based): chr21:33,341,050, T duplicated. VCF-style (leftmost placement, unchanged base first): chr21-33341049-G-GT. GRCh37 (hg19) VCF-style: chr21-34713355-G-GT.
Other names: c.252dup, p.Thr85fs (NM_001384498.1, NM_001384499.1, NM_001384501.1 and 1 more transcripts); c.-535dup (NM_001384500.1); c.45dup, p.Thr16fs (NM_001384504.1); c.-183-28dup (NM_001384502.1); short protein forms T85fs, T16fs.
Identifiers: ClinVar variation 2025845 (VCV002025845.4), dbSNP rs2516867646, ClinGen allele CA2580098585.

ClinVar aggregate classification (germline): Pathogenic (1 of 4 stars; one submission).

Allele frequency attached by ClinVar (database versions not stated): gnomAD exomes below 0.00001.

Submission:

Labcorp Genetics (formerly Invitae), Labcorp
Classification: Pathogenic. Last evaluated: 2022-08-21. Review status: criteria provided, single submitter. Criteria: Invitae Variant Classification Sherloc (09022015). Collection method: clinical testing. Allele origin: germline.
Comment: This sequence change creates a premature translational stop signal (p.Thr85Tyrfs*14) in the IFNAR1 gene. It is expected to result in an absent or disrupted protein product. Loss-of-function variants in IFNAR1 are known to be pathogenic (PMID: 31270247, 32960813). This variant is not present in population databases (gnomAD no frequency). This variant has not been reported in the literature in individuals affected with IFNAR1-related conditions. For these reasons, this variant has been classified as Pathogenic.

Literature cited by the submitters: PubMed 31270247; PubMed 32960813.